The following is an entry in ClinVar:

ClinVar aggregate classification (germline): Uncertain significance (1 of 4 stars; one submission).

Allele frequency attached by ClinVar (database versions not stated): gnomAD 0.00001; gnomAD exomes 0.00001 and 0.00002; TOPMed 0.00001; ExAC 0.00002.
gnomAD v4.1: 17 of 1,605,610 alleles (0.0011%); highest among the groups gnomAD compares: Middle Eastern, 0.033%; no homozygotes.

Submission:

Labcorp Genetics (formerly Invitae), Labcorp
Classification: Uncertain significance. Last evaluated: 2024-11-02. Review status: criteria provided, single submitter. Criteria: Invitae Variant Classification Sherloc (09022015). Collection method: clinical testing. Allele origin: germline.
Comment: This sequence change replaces arginine, which is basic and polar, with cysteine, which is neutral and slightly polar, at codon 700 of the TAOK2 protein (p.Arg700Cys). This variant is present in population databases (rs777936445, gnomAD 0.003%). This missense change has been observed in individual(s) with clinical features of generalized verrucosis and primary immunodeficiency (PMID: 28385331). ClinVar contains an entry for this variant (Variation ID: 1398008). An algorithm developed to predict the effect of missense changes on protein structure and function (PolyPhen-2) suggests that this variant is likely to be disruptive. In summary, the available evidence is currently insufficient to determine the role of this variant in disease. Therefore, it has been classified as a Variant of Uncertain Significance.

Literature cited by the submitters: PubMed 28385331.

NM_016151.4(TAOK2):c.2098C>T (p.Arg700Cys)

Gene: TAOK2 (TAO kinase 2; plus strand). Cytogenetic location: 16p11.2.
Variant type: single nucleotide variant.
Coding change: c.2098C>T on transcript NM_016151.4 (MANE Select); coding-DNA position 2098, C replaced by T.
Protein change: p.Arg700Cys; replaces arginine 700 with cysteine.
Molecular consequence: missense variant.
Genome position (GRCh38, 1-based): chr16:29,986,370, C>T. VCF-style: chr16-29986370-C-T. GRCh37 (hg19) VCF-style: chr16-29997691-C-T.
Other names: c.2098C>T, p.Arg700Cys (NM_004783.4, NM_001252043.2); short protein forms R700C.
Identifiers: ClinVar variation 1398008 (VCV001398008.7), dbSNP rs777936445, ClinGen allele CA7998310.